The following is an entry in ClinVar:

ClinVar aggregate classification (germline): Uncertain significance (1 of 4 stars; one submission).

Conditions:
Hypokalemic periodic paralysis, type 1. Also called: Hypokalemic Periodic Paralysis Type 1 (AD); HypoPP. Identifiers: Orphanet 681, MedGen C3714580, MONDO:0042979, OMIM 170400.
Malignant hyperthermia, susceptibility to, 5 (MHS5). Also called: CACNA1S-Related Malignant Hyperthermia Susceptibility. Identifiers: Orphanet 423, MedGen C1866077, MONDO:0011163, OMIM 601887.

Submission:

Labcorp Genetics (formerly Invitae), Labcorp
Classification: Uncertain significance for Hypokalemic periodic paralysis, type 1; Malignant hyperthermia, susceptibility to, 5. Last evaluated: 2022-03-08. Review status: criteria provided, single submitter. Criteria: Invitae Variant Classification Sherloc (09022015). Collection method: clinical testing. Allele origin: germline.
Comment: This sequence change replaces lysine, which is basic and polar, with asparagine, which is neutral and polar, at codon 221 of the CACNA1S protein (p.Lys221Asn). This variant is not present in population databases (gnomAD no frequency). This variant has not been reported in the literature in individuals affected with CACNA1S-related conditions. Advanced modeling of protein sequence and biophysical properties (such as structural, functional, and spatial information, amino acid conservation, physicochemical variation, residue mobility, and thermodynamic stability) performed at Invitae indicates that this missense variant is not expected to disrupt CACNA1S protein function. In summary, the available evidence is currently insufficient to determine the role of this variant in disease. Therefore, it has been classified as a Variant of Uncertain Significance.

NM_000069.3(CACNA1S):c.663G>C (p.Lys221Asn)

Gene: CACNA1S (calcium voltage-gated channel subunit alpha1 S; minus strand). Cytogenetic location: 1q32.1.
Variant type: single nucleotide variant.
Coding change: c.663G>C on transcript NM_000069.3 (MANE Select); coding-DNA position 663, G replaced by C.
Protein change: p.Lys221Asn; replaces lysine 221 with asparagine.
Molecular consequence: missense variant.
Genome position (GRCh38, 1-based): chr1:201,091,671, C>G on the plus strand (G>C on the coding strand, the complement: CACNA1S is on the minus strand). VCF-style: chr1-201091671-C-G. GRCh37 (hg19) VCF-style: chr1-201060799-C-G.
Other names: short protein forms K221N.
Identifiers: ClinVar variation 1432641 (VCV001432641.8), dbSNP rs1662237951, ClinGen allele CA344139472.